The following is an entry in ClinVar:

ClinVar aggregate classification (germline): Uncertain significance. Review status: criteria provided, multiple submitters, no conflicts (2 of 4 stars). 3 submissions from 3 submitters: Uncertain significance (3). Last evaluated 2026-01-05.

Allele frequency attached by ClinVar (database versions not stated): gnomAD 0.00002; gnomAD exomes 0.00006 and 0.00013; ExAC 0.00010; TOPMed 0.00010.

Submissions (3):

Labcorp Genetics (formerly Invitae), Labcorp
Classification: Uncertain significance. Last evaluated: 2026-01-05. Review status: criteria provided, single submitter. Criteria: Invitae Variant Classification Sherloc (09022015). Collection method: clinical testing. Allele origin: germline.
Comment: This sequence change replaces serine, which is neutral and polar, with phenylalanine, which is neutral and non-polar, at codon 418 of the MARS2 protein (p.Ser418Phe). This variant is present in population databases (rs767717981, gnomAD 0.1%), and has an allele count higher than expected for a pathogenic variant. This variant has not been reported in the literature in individuals affected with MARS2-related conditions. ClinVar contains an entry for this variant (Variation ID: 1199887). Invitae Evidence Modeling of protein sequence and biophysical properties (such as structural, functional, and spatial information, amino acid conservation, physicochemical variation, residue mobility, and thermodynamic stability) indicates that this missense variant is not expected to disrupt MARS2 protein function with a negative predictive value of 80%. In summary, the available evidence is currently insufficient to determine the role of this variant in disease. Therefore, it has been classified as a Variant of Uncertain Significance.

Ambry Genetics
Classification: Uncertain significance. Last evaluated: 2025-03-05. Review status: criteria provided, single submitter. Criteria: Ambry Variant Classification Scheme 2023. Collection method: clinical testing. Allele origin: germline.

GeneDx
Classification: Uncertain significance. Last evaluated: 2024-10-17. Review status: criteria provided, single submitter. Criteria: GeneDx Variant Classification Process June 2021. Collection method: clinical testing. Allele origin: germline. Affected: yes.
Comment: In silico analysis supports that this missense variant has a deleterious effect on protein structure/function; Has not been previously published as pathogenic or benign to our knowledge

NM_138395.4(MARS2):c.1253C>T (p.Ser418Phe)

Gene: MARS2 (methionyl-tRNA synthetase 2, mitochondrial; plus strand). Cytogenetic location: 2q33.1.
Variant type: single nucleotide variant.
Coding change: c.1253C>T on transcript NM_138395.4 (MANE Select); coding-DNA position 1253, C replaced by T.
Protein change: p.Ser418Phe; replaces serine 418 with phenylalanine.
Molecular consequence: missense variant.
Genome position (GRCh38, 1-based): chr2:197,706,658, C>T. VCF-style: chr2-197706658-C-T. GRCh37 (hg19) VCF-style: chr2-198571382-C-T.
Other names: short protein forms S418F.
Identifiers: ClinVar variation 1199887 (VCV001199887.14), dbSNP rs767717981, ClinGen allele CA2044719.
Genomic context (GRCh38, chr2:197,706,658, plus strand): 5'-AGCTGGCAGATGCCTTGGGAGGTCTCTTGAACCGATGCACTGCCAAAAGAATAAATCCTT[C>T]TGAGACCTACCCAGCCTTCTGCACTACCTGCTTCCCTAGTGAGCCAGGGTTGGTGGGGCC-3'
Protein context (NP_612404.1, residues 408-428): NRCTAKRINP[Ser418Phe]ETYPAFCTTC